The following is an entry in ClinVar:

ClinVar aggregate classification (germline): Likely benign. Review status: criteria provided, multiple submitters, no conflicts (2 of 4 stars). 2 submissions from 2 submitters: Likely benign (2). Last evaluated 2024-12-13.

Conditions:
SLC40A1-related disorder. Also called: SLC40A1-related condition.
Hemochromatosis type 4 (HFE4). Also called: HEMOCHROMATOSIS DUE TO DEFECT IN FERROPORTIN; HEMOCHROMATOSIS, AUTOSOMAL DOMINANT; Ferroportin disease. Identifiers: Orphanet 139491, Orphanet 647834, Orphanet 648562, MedGen C1853733, MONDO:0011631, OMIM 606069.

Allele frequency attached by ClinVar (database versions not stated): gnomAD exomes 0.00001 and 0.00002; ExAC 0.00002; gnomAD 0.00004; TOPMed 0.00004; ESP Exome Variant Server 0.00008.
gnomAD v4.1: 24 of 1,613,974 alleles (0.0015%); highest among the groups gnomAD compares: Non-Finnish European, 0.0019%; no homozygotes.

Submissions (2):

PreventionGenetics, part of Exact Sciences
Classification: Likely benign for SLC40A1-related condition. Last evaluated: 2024-12-13. Review status: criteria provided, single submitter. Criteria: ACMG Guidelines, 2015. Collection method: clinical testing. Allele origin: germline.
Comment: This variant is classified as likely benign based on ACMG/AMP sequence variant interpretation guidelines (Richards et al. 2015 PMID: 25741868, with internal and published modifications).

Labcorp Genetics (formerly Invitae), Labcorp
Classification: Likely benign for Hemochromatosis type 4. Last evaluated: 2024-07-30. Review status: criteria provided, single submitter. Criteria: Invitae Variant Classification Sherloc (09022015). Collection method: clinical testing. Allele origin: germline.

NM_014585.6(SLC40A1):c.138G>A (p.Val46=)

Gene: SLC40A1 (solute carrier family 40 member 1; minus strand). Cytogenetic location: 2q32.2.
Variant type: single nucleotide variant.
Coding change: c.138G>A on transcript NM_014585.6 (MANE Select); coding-DNA position 138, G replaced by A.
Protein change: p.Val46=; no amino-acid change (valine 46 retained).
Molecular consequence: synonymous variant.
Genome position (GRCh38, 1-based): chr2:189,575,294, C>T on the plus strand (G>A on the coding strand, the complement: SLC40A1 is on the minus strand). VCF-style: chr2-189575294-C-T. GRCh37 (hg19) VCF-style: chr2-190440020-C-T.
Other names: c.138G>A (NM_014585.5).
Identifiers: ClinVar variation 1115778 (VCV001115778.10), dbSNP rs368258215, ClinGen allele CA2024287.